The following is an entry in ClinVar:

ClinVar aggregate classification (germline): Uncertain significance. Review status: criteria provided, multiple submitters, no conflicts (2 of 4 stars). 3 submissions from 3 submitters: Uncertain significance (3). Last evaluated 2025-07-21.

Conditions:
Cardiovascular phenotype. Identifiers: MedGen CN230736.

Allele frequency attached by ClinVar (database versions not stated): ExAC 0.00002; gnomAD 0.00002; 1000 Genomes Project 30x 0.00016; 1000 Genomes Project 0.00020.
gnomAD v4.1: 35 of 1,610,074 alleles (0.0022%); highest among the groups gnomAD compares: South Asian, 0.0099%; no homozygotes.

Submissions (3):

Ambry Genetics
Classification: Uncertain significance for Cardiovascular phenotype. Last evaluated: 2025-07-21. Review status: criteria provided, single submitter. Criteria: Ambry Variant Classification Scheme 2023. Collection method: clinical testing. Allele origin: germline.
Comment: The p.R153C variant (also known as c.457C>T), located in coding exon 2 of the TNXB gene, results from a C to T substitution at nucleotide position 457. The arginine at codon 153 is replaced by cysteine, an amino acid with highly dissimilar properties. This amino acid position is conserved. In addition, this alteration is predicted to be tolerated by in silico analysis. Since supporting evidence is limited at this time, the clinical significance of this alteration remains unclear.

Women's Health and Genetics/Laboratory Corporation of America, LabCorp
Classification: Uncertain significance. Last evaluated: 2025-05-05. Review status: criteria provided, single submitter. Criteria: LabCorp Variant Classification Summary - May 2015. Collection method: clinical testing. Allele origin: germline.
Comment: Variant summary: TNXB c.457C>T (p.Arg153Cys) results in a non-conservative amino acid change in the encoded protein sequence. Algorithms developed to predict the effect of missense changes on protein structure and function are either unavailable or do not agree on the potential impact of this missense change. The variant allele was found at a frequency of 4.5e-05 in 244682 control chromosomes. This frequency is not significantly higher than estimated for a pathogenic variant in TNXB causing Ehlers-Danlos syndrome due to tenascin-X deficiency (4.5e-05 vs 0.0011), allowing no conclusion about variant significance. To our knowledge, no occurrence of c.457C>T in individuals affected with Ehlers-Danlos syndrome due to tenascin-X deficiency and no experimental evidence demonstrating its impact on protein function have been reported. ClinVar contains an entry for this variant (Variation ID: 1741622). Based on the evidence outlined above, the variant was classified as uncertain significance.

GeneDx
Classification: Uncertain significance. Last evaluated: 2024-06-04. Review status: criteria provided, single submitter. Criteria: GeneDx Variant Classification Process June 2021. Collection method: clinical testing. Allele origin: germline. Affected: yes.
Comment: In silico analysis supports that this missense variant has a deleterious effect on protein structure/function; Has not been previously published as pathogenic or benign to our knowledge

NM_001365276.2(TNXB):c.457C>T (p.Arg153Cys)

Gene: TNXB (tenascin XB; minus strand). Cytogenetic location: 6p21.33.
Variant type: single nucleotide variant.
Coding change: c.457C>T on transcript NM_001365276.2 (MANE Select); coding-DNA position 457, C replaced by T.
Protein change: p.Arg153Cys; replaces arginine 153 with cysteine.
Molecular consequence: missense variant.
Genome position (GRCh38, 1-based): chr6:32,097,396, G>A on the plus strand (C>T on the coding strand, the complement: TNXB is on the minus strand). VCF-style: chr6-32097396-G-A. GRCh37 (hg19) VCF-style: chr6-32065173-G-A.
Other names: c.457C>T, p.Arg153Cys (NM_019105.8); short protein forms R153C.
Identifiers: ClinVar variation 1741622 (VCV001741622.5), dbSNP rs552798448, ClinGen allele CA3735845.